The following is an entry in ClinVar:

NM_002693.3(POLG):c.3614G>T (p.Gly1205Val)

Gene: POLG (DNA polymerase gamma, catalytic subunit; minus strand). Cytogenetic location: 15q26.1.
Variant type: single nucleotide variant.
Coding change: c.3614G>T on transcript NM_002693.3 (MANE Select); coding-DNA position 3614, G replaced by T.
Protein change: p.Gly1205Val; replaces glycine 1205 with valine.
Molecular consequence: missense variant.
Genome position (GRCh38, 1-based): chr15:89,317,405, C>A on the plus strand (G>T on the coding strand, the complement: POLG is on the minus strand). VCF-style: chr15-89317405-C-A. GRCh37 (hg19) VCF-style: chr15-89860636-C-A.
Other names: c.3614G>T, p.Gly1205Val (NM_001126131.2); short protein forms G1205V.
Identifiers: ClinVar variation 5004322 (VCV005004322.1).

ClinVar aggregate classification (germline): Uncertain significance (1 of 4 stars; one submission).

Conditions:
POLG-related disorder. Also called: POLG-related condition; POLG-Related Disorders; POLG-Related Spectrum Disorders. Identifiers: MedGen C4763519.

Submission:

Myriad Genetics, Inc.
Classification: Uncertain significance for POLG-related disorder. Last evaluated: 2025-12-09. Review status: criteria provided, single submitter. Criteria: Myriad Autosomal Dominant, Autosomal Recessive and X-Linked Classification Criteria (2023). Collection method: clinical testing. Allele origin: unknown.
Comment: NM_002693.2(POLG):c.3614G>T(G1205V) is a missense variant classified as a variant of uncertain significance in the context of POLG-related disorders. G1205V has been observed in a case with relevant disease (PMID: 35598585). Relevant functional assessments of this variant are not available in the literature. G1205V has not been observed in referenced population frequency databases. In summary, there is insufficient evidence to classify NM_002693.2(POLG):c.3614G>T(G1205V) as pathogenic or benign. Please note: this variant was assessed in the context of healthy population screening.

Literature cited by the submitters: PubMed 35598585.